The following is an entry in ClinVar:

ClinVar aggregate classification (germline): Pathogenic (1 of 4 stars; one submission).

Conditions:
Skeletal muscle channelopathy.

Submission:

Genetics Laboratory, Great Ormond Street Hospital NHS Foundation Trust, North Thames Genomic Laboratory Hub
Classification: Pathogenic for Skeletal muscle channelopathy. Last evaluated: 2026-01-15. Review status: criteria provided, single submitter. Criteria: ACGS Best Practice Guidelines for Variant Classification in Rare Disease 2024 v1.2. Collection method: clinical testing. Allele origin: germline. Affected: yes.
Comment: PM2_moderate, PP3_supporting, PM5_supporting, PS3_strong, PM3_moderate

NM_000083.3(CLCN1):c.599G>A (p.Gly200Glu)

Gene: CLCN1 (chloride voltage-gated channel 1; plus strand). Cytogenetic location: 7q34.
Variant type: single nucleotide variant.
Coding change: c.599G>A on transcript NM_000083.3 (MANE Select); coding-DNA position 599, G replaced by A.
Protein change: p.Gly200Glu; replaces glycine 200 with glutamic acid.
Molecular consequence: missense variant. On other transcripts: non-coding transcript variant (1).
Genome position (GRCh38, 1-based): chr7:143,321,751, G>A. VCF-style: chr7-143321751-G-A. GRCh37 (hg19) VCF-style: chr7-143018844-G-A.
Other names: short protein forms G200E.
Identifiers: ClinVar variation 4813332 (VCV004813332.1).